The following is an entry in ClinVar:

ClinVar aggregate classification (germline): Uncertain significance (1 of 4 stars; one submission).

Submission:

Labcorp Genetics (formerly Invitae), Labcorp
Classification: Uncertain significance. Last evaluated: 2023-11-27. Review status: criteria provided, single submitter. Criteria: Invitae Variant Classification Sherloc (09022015). Collection method: clinical testing. Allele origin: germline.
Comment: This variant, c.3783_3785del, results in the deletion of 1 amino acid(s) of the PLCE1 protein (p.Asp1261del), but otherwise preserves the integrity of the reading frame. This variant is not present in population databases (gnomAD no frequency). This variant has not been reported in the literature in individuals affected with PLCE1-related conditions. Experimental studies and prediction algorithms are not available or were not evaluated, and the functional significance of this variant is currently unknown. In summary, the available evidence is currently insufficient to determine the role of this variant in disease. Therefore, it has been classified as a Variant of Uncertain Significance.

NM_016341.4(PLCE1):c.3780TGA[1] (p.Asp1261del)

Gene: PLCE1 (phospholipase C epsilon 1; plus strand). Cytogenetic location: 10q23.33.
Variant type: Microsatellite.
Coding change: c.3780TGA[1] on transcript NM_016341.4 (MANE Select); one copy of the 3-base unit TGA starting at c.3780; the reference has two copies in a row; one copy, 3 bases deleted.
Protein change: p.Asp1261del; deletes aspartic acid 1261.
Molecular consequence: inframe deletion.
Genome position (GRCh38, 1-based): chr10:94,259,119-94,259,121, TGA deleted; deleting any 3 consecutive bases within chr10:94,259,116-94,259,121 gives the same sequence; the position shown is the placement nearest the transcript's 3' end. VCF-style (leftmost placement, unchanged base first): chr10-94259115-TTGA-T. GRCh37 (hg19) VCF-style: chr10-96018872-TTGA-T.
Other names: c.2856TGA[1], p.Asp953del (NM_001165979.2); c.3732TGA[1], p.Asp1245del (NM_001288989.2); short protein forms D1245del, D1261del, D953del.
Identifiers: ClinVar variation 1942134 (VCV001942134.5), dbSNP rs2051204120, ClinGen allele CA1928977073.